The following is an entry in ClinVar:

NM_206862.4(TACC2):c.7445C>T (p.Thr2482Met)

Gene: TACC2 (transforming acidic coiled-coil containing protein 2; plus strand). Cytogenetic location: 10q26.13.
Variant type: single nucleotide variant.
Coding change: c.7445C>T on transcript NM_206862.4 (MANE Select); coding-DNA position 7445, C replaced by T.
Protein change: p.Thr2482Met; replaces threonine 2482 with methionine.
Molecular consequence: missense variant.
Genome position (GRCh38, 1-based): chr10:122,216,727, C>T. VCF-style: chr10-122216727-C-T. GRCh37 (hg19) VCF-style: chr10-123976242-C-T.
Other names: c.7457C>T, p.Thr2486Met (NM_001291877.2); c.1715C>T, p.Thr572Met (NM_001291878.2); c.557C>T, p.Thr186Met (NM_001291879.2); c.1679C>T, p.Thr560Met (NM_006997.4, NM_206860.3); c.1883C>T, p.Thr628Met (NM_206861.3); c.7310C>T, p.Thr2437Met (NM_001291876.2); short protein forms T186M, T2437M, T2482M, T2486M, T560M, T572M, T628M.
Identifiers: ClinVar variation 2640898 (VCV002640898.24), dbSNP rs34944231, ClinGen allele CA5724025.

ClinVar aggregate classification (germline): Likely benign (1 of 4 stars; one submission).

Allele frequency attached by ClinVar (database versions not stated): 1000 Genomes Project 0.00260; 1000 Genomes Project 30x 0.00281; TOPMed 0.00515; ESP Exome Variant Server 0.00546; gnomAD 0.00556; gnomAD exomes 0.00632; ExAC 0.00663.
gnomAD v4.1: 10,132 of 1,614,092 alleles (0.63%); highest among the groups gnomAD compares: Middle Eastern, 1.7%; 41 homozygotes.

Submission:

CeGaT Center for Human Genetics Tuebingen
Classification: Likely benign. Last evaluated: 2023-02-01. Review status: criteria provided, single submitter. Criteria: CeGaT Center For Human Genetics Tuebingen Variant Classification Criteria Version 2. Collection method: clinical testing. Allele origin: germline. Affected: yes. Observed: 1 variant allele.
Comment: TACC2: BP4, BS2